The following is an entry in ClinVar:

NM_001171.6(ABCC6):c.2551C>T (p.Leu851=)

Gene: ABCC6 (ATP binding cassette subfamily C member 6; minus strand). Cytogenetic location: 16p13.11.
Variant type: single nucleotide variant.
Coding change: c.2551C>T on transcript NM_001171.6 (MANE Select); coding-DNA position 2551, C replaced by T.
Protein change: p.Leu851=; no amino-acid change (leucine 851 retained).
Molecular consequence: synonymous variant.
Genome position (GRCh38, 1-based): chr16:16,177,491, G>A on the plus strand (C>T on the coding strand, the complement: ABCC6 is on the minus strand). VCF-style: chr16-16177491-G-A. GRCh37 (hg19) VCF-style: chr16-16271348-G-A.
Other names: c.2209C>T, p.Leu737= (NM_001351800.1).
Identifiers: ClinVar variation 2821043 (VCV002821043.3), dbSNP rs1292352751, ClinGen allele CA493799778.

ClinVar aggregate classification (germline): Uncertain significance (1 of 4 stars; one submission).

Allele frequency attached by ClinVar (database versions not stated): gnomAD 0.00001; gnomAD exomes 0.00001.
gnomAD v4.1: 5 of 1,614,082 alleles (0.00031%); highest among the groups gnomAD compares: South Asian, 0.0055%; 1 homozygote.

Submission:

Labcorp Genetics (formerly Invitae), Labcorp
Classification: Uncertain significance. Last evaluated: 2023-12-03. Review status: criteria provided, single submitter. Criteria: Invitae Variant Classification Sherloc (09022015). Collection method: clinical testing. Allele origin: germline.
Comment: This sequence change affects codon 851 of the ABCC6 mRNA. It is a 'silent' change, meaning that it does not change the encoded amino acid sequence of the ABCC6 protein. This variant is present in population databases (no rsID available, gnomAD 0.003%). This variant has not been reported in the literature in individuals affected with ABCC6-related conditions. Algorithms developed to predict the effect of sequence changes on RNA splicing suggest that this variant may disrupt the consensus splice site. In summary, the available evidence is currently insufficient to determine the role of this variant in disease. Therefore, it has been classified as a Variant of Uncertain Significance.